The following is an entry in ClinVar:

NM_001365276.2(TNXB):c.1785C>G (p.Ser595Arg)

Gene: TNXB (tenascin XB; minus strand). Cytogenetic location: 6p21.33.
Variant type: single nucleotide variant.
Coding change: c.1785C>G on transcript NM_001365276.2 (MANE Select); coding-DNA position 1785, C replaced by G.
Protein change: p.Ser595Arg; replaces serine 595 with arginine.
Molecular consequence: missense variant.
Genome position (GRCh38, 1-based): chr6:32,096,068, G>C on the plus strand (C>G on the coding strand, the complement: TNXB is on the minus strand). VCF-style: chr6-32096068-G-C. GRCh37 (hg19) VCF-style: chr6-32063845-G-C.
Other names: c.1785C>G, p.Ser595Arg (NM_019105.8); short protein forms S595R.
Identifiers: ClinVar variation 1709390 (VCV001709390.2), dbSNP rs758179304, ClinGen allele CA363477485.
Genomic context (GRCh38, chr6:32,096,068, plus strand): 5'-GTCCTCACTCACGTAGCCTTCCCAACAGATGCACACACCGTCCTGGCACACGCCGTGCTG[G>C]CTGCAGTCATTCGGGCACTGCCTCACACCGCAATCCTCGCCAGAGTAGCCGTCCTCGCAC-3'
Protein context (NP_001352205.1, residues 585-605): CGVRQCPNDC[Ser595Arg]QHGVCQDGVC

ClinVar aggregate classification (germline): Uncertain significance (1 of 4 stars; one submission).

Conditions:
Ehlers-Danlos syndrome due to tenascin-X deficiency (EDSCLL1). Also called: EHLERS-DANLOS SYNDROME, CLASSIC-LIKE; Ehlers-Danlos syndrome, classic-like, 1; TNX DEFICIENCY; TNXB-Related Classical-Like Ehlers-Danlos Syndrome; EDS DUE TO TNX DEFICIENCY. Identifiers: Orphanet 230839, MedGen C1848029, MONDO:0011670, OMIM 606408.

gnomAD v4.1: 1 of 1,612,826 alleles (0.000062%); highest among the groups gnomAD compares: Non-Finnish European, 0.000085%; no homozygotes.

Submission:

MGZ Medical Genetics Center
Classification: Uncertain significance for Ehlers-Danlos syndrome due to tenascin-X deficiency. Last evaluated: 2022-04-12. Review status: criteria provided, single submitter. Criteria: ACMG Guidelines, 2015. Collection method: clinical testing. Allele origin: germline. Affected: yes. Observed: 1 variant allele.
Comment: ACMG criteria applied: PM2_SUP